The following is an entry in ClinVar:

NM_000173.7(GP1BA):c.616G>C (p.Gly206Arg)

Gene: GP1BA (glycoprotein Ib platelet subunit alpha; plus strand). Cytogenetic location: 17p13.2.
Variant type: single nucleotide variant.
Coding change: c.616G>C on transcript NM_000173.7 (MANE Select); coding-DNA position 616, G replaced by C.
Protein change: p.Gly206Arg; replaces glycine 206 with arginine.
Molecular consequence: missense variant.
Genome position (GRCh38, 1-based): chr17:4,933,220, G>C. VCF-style: chr17-4933220-G-C. GRCh37 (hg19) VCF-style: chr17-4836515-G-C.
Other names: short protein forms G206R.
Identifiers: ClinVar variation 3336517 (VCV003336517.1).
Genomic context (GRCh38, chr17:4,933,220, plus strand): 5'-GGGCTGGAGAATCTCGACACCCTTCTCCTCCAAGAGAACTCGCTGTATACAATACCAAAG[G>C]GCTTTTTTGGGTCCCACCTCCTGCCTTTTGCTTTTCTCCACGGGAACCCCTGGTTATGCA-3'
Protein context (NP_000164.5, residues 196-216): QENSLYTIPK[Gly206Arg]FFGSHLLPFA

ClinVar aggregate classification (germline): Uncertain significance (1 of 4 stars; one submission).

Submission:

Women's Health and Genetics/Laboratory Corporation of America, LabCorp
Classification: Uncertain significance. Last evaluated: 2024-05-30. Review status: criteria provided, single submitter. Criteria: LabCorp Variant Classification Summary - May 2015. Collection method: clinical testing. Allele origin: germline.
Comment: Variant summary: GP1BA c.616G>C (p.Gly206Arg) results in a non-conservative amino acid change in the encoded protein sequence. Three of five in-silico tools predict a damaging effect of the variant on protein function. The frequency data for this variant in gnomAD is considered unreliable, as metrics indicate poor data quality at this position. To our knowledge, no occurrence of c.616G>C in individuals affected with GP1BA-related conditions and no experimental evidence demonstrating its impact on protein function have been reported. No submitters have cited clinical-significance assessments for this variant to ClinVar. Based on the evidence outlined above, the variant was classified as uncertain significance.